The following is an entry in ClinVar:

ClinVar aggregate classification (germline): Pathogenic (1 of 4 stars; one submission).

Submission:

Labcorp Genetics (formerly Invitae), Labcorp
Classification: Pathogenic. Last evaluated: 2023-07-07. Review status: criteria provided, single submitter. Criteria: Invitae Variant Classification Sherloc (09022015). Collection method: clinical testing. Allele origin: germline.
Comment: For these reasons, this variant has been classified as Pathogenic. This premature translational stop signal has been observed in individual(s) with retinitis pigmentosa (PMID: 33946315). This variant is not present in population databases (gnomAD no frequency). This sequence change creates a premature translational stop signal (p.Gly655*) in the EYS gene. It is expected to result in an absent or disrupted protein product. Loss-of-function variants in EYS are known to be pathogenic (PMID: 18836446, 20333770).

Literature cited by the submitters: PubMed 33946315; PubMed 18836446; PubMed 20333770.

NM_001142800.2(EYS):c.1963G>T (p.Gly655Ter)

Gene: EYS (EGF-like photoreceptor maintenance factor; minus strand). Cytogenetic location: 6q12.
Variant type: single nucleotide variant.
Coding change: c.1963G>T on transcript NM_001142800.2 (MANE Select); coding-DNA position 1963, G replaced by T.
Protein change: p.Gly655Ter; replaces glycine 655 with a stop codon.
Molecular consequence: nonsense.
Genome position (GRCh38, 1-based): chr6:65,295,923, C>A on the plus strand (G>T on the coding strand, the complement: EYS is on the minus strand). VCF-style: chr6-65295923-C-A. GRCh37 (hg19) VCF-style: chr6-66005816-C-A.
Other names: c.1963G>T, p.Gly655Ter (NM_001292009.2); short protein forms G655*.
Identifiers: ClinVar variation 2780092 (VCV002780092.3), dbSNP rs1582111125, ClinGen allele CA364659420.